The following is an entry in ClinVar:

ClinVar aggregate classification (germline): Uncertain significance (1 of 4 stars; one submission).

Conditions:
Wilms tumor 1 (WT1). Also called: Wilms tumor, somatic. Identifiers: Orphanet 654, MedGen CN033288, MONDO:0008679, OMIM 194070.

Submission:

Labcorp Genetics (formerly Invitae), Labcorp
Classification: Uncertain significance for Wilms tumor 1. Last evaluated: 2023-07-19. Review status: criteria provided, single submitter. Criteria: Invitae Variant Classification Sherloc (09022015). Collection method: clinical testing. Allele origin: germline.
Comment: In summary, the available evidence is currently insufficient to determine the role of this variant in disease. Therefore, it has been classified as a Variant of Uncertain Significance. Algorithms developed to predict the effect of missense changes on protein structure and function output the following: SIFT: "Not Available"; PolyPhen-2: "Benign"; Align-GVGD: "Not Available". The arginine amino acid residue is found in multiple mammalian species, which suggests that this missense change does not adversely affect protein function. ClinVar contains an entry for this variant (Variation ID: 2415526). This variant has not been reported in the literature in individuals affected with GPC3-related conditions. This variant is not present in population databases (gnomAD no frequency). This sequence change replaces histidine, which is basic and polar, with arginine, which is basic and polar, at codon 559 of the GPC3 protein (p.His559Arg).

NM_004484.4(GPC3):c.1676A>G (p.His559Arg)

Gene: GPC3 (glypican 3; minus strand). Cytogenetic location: Xq26.2.
Variant type: single nucleotide variant.
Coding change: c.1676A>G on transcript NM_004484.4 (MANE Select); coding-DNA position 1676, A replaced by G.
Protein change: p.His559Arg; replaces histidine 559 with arginine.
Molecular consequence: missense variant.
Genome position (GRCh38, 1-based): chrX:133,536,191, T>C on the plus strand (A>G on the coding strand, the complement: GPC3 is on the minus strand). VCF-style: chrX-133536191-T-C. GRCh37 (hg19) VCF-style: chrX-132670219-T-C.
Other names: c.1745A>G, p.His582Arg (NM_001164617.2); c.1628A>G, p.His543Arg (NM_001164618.2); c.1514A>G, p.His505Arg (NM_001164619.2); short protein forms H505R, H543R, H559R, H582R.
Identifiers: ClinVar variation 2415526 (VCV002415526.5), dbSNP rs2520462961, ClinGen allele CA414702587.